The following is an entry in ClinVar:

ClinVar aggregate classification (germline): Uncertain significance. Review status: criteria provided, multiple submitters, no conflicts (2 of 4 stars). 4 submissions from 4 submitters: Uncertain significance (4). Last evaluated 2025-07-20.

Conditions:
Hereditary cancer-predisposing syndrome. Also called: Tumor predisposition; Neoplastic Syndromes, Hereditary; Hereditary Cancer Syndrome; Hereditary neoplastic syndrome. Identifiers: Orphanet 140162, MedGen C0027672, MeSH D009386, MONDO:0015356.
Peutz-Jeghers syndrome (PJS). Also called: POLYPOSIS, HAMARTOMATOUS INTESTINAL; POLYPS-AND-SPOTS SYNDROME; Peutz-Jeghers polyposis; Periorificial lentiginosis syndrome. Identifiers: Orphanet 2869, MedGen C0031269, MeSH D010580, MONDO:0008280, OMIM 175200.

Submissions (4):

Labcorp Genetics (formerly Invitae), Labcorp
Classification: Uncertain significance for Peutz-Jeghers syndrome. Last evaluated: 2025-07-20. Review status: criteria provided, single submitter. Criteria: Invitae Variant Classification Sherloc (09022015). Collection method: clinical testing. Allele origin: germline.
Comment: This sequence change replaces threonine, which is neutral and polar, with arginine, which is basic and polar, at codon 24 of the STK11 protein (p.Thr24Arg). This variant is not present in population databases (gnomAD no frequency). This variant has not been reported in the literature in individuals affected with STK11-related conditions. ClinVar contains an entry for this variant (Variation ID: 628078). Invitae Evidence Modeling of protein sequence and biophysical properties (such as structural, functional, and spatial information, amino acid conservation, physicochemical variation, residue mobility, and thermodynamic stability) has been performed for this missense variant. However, the output from this modeling did not meet the statistical confidence thresholds required to predict the impact of this variant on STK11 protein function. In summary, the available evidence is currently insufficient to determine the role of this variant in disease. Therefore, it has been classified as a Variant of Uncertain Significance.

Color Diagnostics, LLC DBA Color Health
Classification: Uncertain significance for Hereditary cancer-predisposing syndrome. Last evaluated: 2022-09-19. Review status: criteria provided, single submitter. Criteria: ACMG Guidelines, 2015. Collection method: clinical testing. Allele origin: germline.
Comment: This missense variant replaces threonine with arginine at codon 24 of the STK11 protein. Computational prediction is inconclusive regarding the impact of this variant on protein structure and function (internally defined REVEL score threshold 0.5 < inconclusive < 0.7, PMID: 27666373). To our knowledge, functional studies have not been reported for this variant. This variant has not been reported in individuals affected with hereditary cancer in the literature. This variant has not been identified in the general population by the Genome Aggregation Database (gnomAD). The available evidence is insufficient to determine the role of this variant in disease conclusively. Therefore, this variant is classified as a Variant of Uncertain Significance.

Ambry Genetics
Classification: Uncertain significance for Hereditary cancer-predisposing syndrome. Last evaluated: 2022-01-13. Review status: criteria provided, single submitter. Criteria: Ambry Variant Classification Scheme 2023. Collection method: clinical testing. Allele origin: germline.
Comment: The p.T24R variant (also known as c.71C>G), located in coding exon 1 of the STK11 gene, results from a C to G substitution at nucleotide position 71. The threonine at codon 24 is replaced by arginine, an amino acid with similar properties. This amino acid position is well conserved in available vertebrate species. In addition, the in silico prediction for this alteration is inconclusive. Since supporting evidence is limited at this time, the clinical significance of this alteration remains unclear.

Genome-Nilou Lab
Classification: Uncertain significance for Peutz-Jeghers syndrome. Last evaluated: 2021-07-15. Review status: criteria provided, single submitter. Criteria: ACMG Guidelines, 2015. Collection method: clinical testing. Allele origin: germline. Affected: no.

NM_000455.5(STK11):c.71C>G (p.Thr24Arg)

Gene: STK11 (serine/threonine kinase 11; plus strand). Cytogenetic location: 19p13.3.
Variant type: single nucleotide variant.
Coding change: c.71C>G on transcript NM_000455.5 (MANE Select); coding-DNA position 71, C replaced by G.
Protein change: p.Thr24Arg; replaces threonine 24 with arginine.
Molecular consequence: missense variant.
Genome position (GRCh38, 1-based): chr19:1,206,984, C>G. VCF-style: chr19-1206984-C-G. GRCh37 (hg19) VCF-style: chr19-1206983-C-G.
Other names: short protein forms T24R.
Identifiers: ClinVar variation 628078 (VCV000628078.15), dbSNP rs770503805, ClinGen allele CA402943491.